The following is an entry in ClinVar:

ClinVar aggregate classification (germline): Uncertain significance (1 of 4 stars; one submission).

Conditions:
Myofibrillar myopathy 3 (MFM3). Also called: Muscular dystrophy, proximal, type 1A; Autosomal dominant spheroid body myopathy. Identifiers: Orphanet 266, Orphanet 268129, MedGen C3714934, MONDO:0012215, OMIM 609200.

gnomAD v4.1: 2 of 1,605,466 alleles (0.00012%); highest among the groups gnomAD compares: Admixed American, 0.0033%; no homozygotes.

Submission:

Labcorp Genetics (formerly Invitae), Labcorp
Classification: Uncertain significance for Myofibrillar myopathy 3. Last evaluated: 2022-08-06. Review status: criteria provided, single submitter. Criteria: Invitae Variant Classification Sherloc (09022015). Collection method: clinical testing. Allele origin: germline.
Comment: In summary, the available evidence is currently insufficient to determine the role of this variant in disease. Therefore, it has been classified as a Variant of Uncertain Significance. Algorithms developed to predict the effect of missense changes on protein structure and function (SIFT, PolyPhen-2, Align-GVGD) all suggest that this variant is likely to be disruptive. This variant has not been reported in the literature in individuals affected with MYOT-related conditions. This variant is present in population databases (no rsID available, gnomAD 0.009%). This sequence change replaces arginine, which is basic and polar, with leucine, which is neutral and non-polar, at codon 178 of the MYOT protein (p.Arg178Leu).

NM_006790.3(MYOT):c.533G>T (p.Arg178Leu)

Genes: PKD2L2-DT (PKD2L2 divergent transcript; minus strand), MYOT (myotilin; plus strand). Cytogenetic location: 5q31.2.
Variant type: single nucleotide variant.
Coding change: c.533G>T on transcript NM_006790.3 (MANE Select); coding-DNA position 533, G replaced by T.
Protein change: p.Arg178Leu; replaces arginine 178 with leucine.
Molecular consequence: missense variant. On other transcripts: 5 prime UTR variant (1).
Genome position (GRCh38, 1-based): chr5:137,877,521, G>T. VCF-style: chr5-137877521-G-T. GRCh37 (hg19) VCF-style: chr5-137213210-G-T.
Other names: c.-20G>T (NM_001135940.2); c.188G>T, p.Arg63Leu (NM_001300911.2); short protein forms R63L, R178L.
Identifiers: ClinVar variation 1901817 (VCV001901817.5), dbSNP rs150293853, ClinGen allele CA361054565.